The following is an entry in ClinVar:

NM_201384.3(PLEC):c.4973C>T (p.Ala1658Val)

Gene: PLEC (plectin; minus strand). Cytogenetic location: 8q24.3.
Variant type: single nucleotide variant.
Coding change: c.4973C>T on transcript NM_201384.3 (MANE Select); coding-DNA position 4973, C replaced by T.
Protein change: p.Ala1658Val; replaces alanine 1658 with valine.
Molecular consequence: missense variant.
Genome position (GRCh38, 1-based): chr8:143,924,956, G>A on the plus strand (C>T on the coding strand, the complement: PLEC is on the minus strand). VCF-style: chr8-143924956-G-A. GRCh37 (hg19) VCF-style: chr8-144999124-G-A.
Other names: c.5054C>T, p.Ala1685Val (NM_000445.5); c.4931C>T, p.Ala1644Val (NM_201378.4); c.4907C>T, p.Ala1636Val (NM_201379.3); c.5384C>T, p.Ala1795Val (NM_201380.4); c.4877C>T, p.Ala1626Val (NM_201381.3); c.4973C>T, p.Ala1658Val (NM_201382.4); c.4985C>T, p.Ala1662Val (NM_201383.3); short protein forms A1626V, A1636V, A1644V, A1658V, A1662V, A1685V, A1795V.
Identifiers: ClinVar variation 2434937 (VCV002434937.5), dbSNP rs782338538, ClinGen allele CA4926480.

ClinVar aggregate classification (germline): Uncertain significance. Review status: criteria provided, multiple submitters, no conflicts (2 of 4 stars). 2 submissions from 2 submitters: Uncertain significance (2). Last evaluated 2024-05-15.

Conditions:
Epidermolysis bullosa simplex 5B, with muscular dystrophy (EBS5B). Also called: EPIDERMOLYSIS BULLOSA SIMPLEX AND LIMB-GIRDLE MUSCULAR DYSTROPHY; Epidermolysis bullosa simplex with muscular dystrophy. Identifiers: Orphanet 257, MedGen C2931072, MONDO:0009181, OMIM 226670.
Epidermolysis bullosa simplex with nail dystrophy (EBS5D). Identifiers: MedGen C4225309, MONDO:0014661, OMIM 616487.
Epidermolysis bullosa simplex 5C, with pyloric atresia (EBS5C). Also called: PLEC-Related Epidermolysis Bullosa with Pyloric Atresia; Epidermolysis bullosa simplex with pyloric atresia; PLEC1-Related Epidermolysis Bullosa with Pyloric Atresia. Identifiers: Orphanet 158684, MedGen C2677349, MONDO:0012807, OMIM 612138.
Autosomal recessive limb-girdle muscular dystrophy type 2Q (LGMDR17). Also called: MUSCULAR DYSTROPHY, LIMB-GIRDLE, AUTOSOMAL RECESSIVE 17. Identifiers: Orphanet 254361, MedGen C3150989, MONDO:0013390, OMIM 613723.
Epidermolysis bullosa simplex, Ogna type (EBS5A). Also called: EPIDERMOLYSIS BULLOSA SIMPLEX 5A, OGNA TYPE; Pidermolysis bullosa simplex 5A, Ogna type. Identifiers: Orphanet 79401, MedGen C0432317, MONDO:0007555, OMIM 131950.

Allele frequency attached by ClinVar (database versions not stated): gnomAD 0.00001; gnomAD exomes 0.00001; TOPMed 0.00001; ExAC 0.00007.
gnomAD v4.1: 12 of 1,580,076 alleles (0.00076%); highest among the groups gnomAD compares: South Asian, 0.0023%; no homozygotes.

Submissions (2):

Labcorp Genetics (formerly Invitae), Labcorp
Classification: Uncertain significance for Autosomal recessive limb-girdle muscular dystrophy type 2Q; Epidermolysis bullosa simplex, Ogna type; Epidermolysis bullosa simplex with nail dystrophy; Epidermolysis bullosa simplex 5C, with pyloric atresia; Epidermolysis bullosa simplex 5B, with muscular dystrophy. Last evaluated: 2024-05-15. Review status: criteria provided, single submitter. Criteria: Invitae Variant Classification Sherloc (09022015). Collection method: clinical testing. Allele origin: germline.
Comment: This sequence change replaces alanine, which is neutral and non-polar, with valine, which is neutral and non-polar, at codon 1685 of the PLEC protein (p.Ala1685Val). The frequency data for this variant in the population databases is considered unreliable, as metrics indicate poor data quality at this position in the gnomAD database. This variant has not been reported in the literature in individuals affected with PLEC-related conditions. ClinVar contains an entry for this variant (Variation ID: 2434937). Experimental studies and prediction algorithms are not available or were not evaluated, and the functional significance of this variant is currently unknown. In summary, the available evidence is currently insufficient to determine the role of this variant in disease. Therefore, it has been classified as a Variant of Uncertain Significance.

Revvity Omics, Revvity
Classification: Uncertain significance. Last evaluated: 2020-09-10. Review status: criteria provided, single submitter. Criteria: ACMG Guidelines, 2015. Collection method: clinical testing. Allele origin: germline.